The following is an entry in ClinVar:

ClinVar aggregate classification (germline): Uncertain significance (1 of 4 stars; one submission).

Conditions:
Mendelian susceptibility to mycobacterial diseases due to complete IL12RB1 deficiency. Also called: IL12RB1 DEFICIENCY; Immunodeficiency 30. Identifiers: Orphanet 319552, MedGen C4013949, MONDO:0013955, OMIM 614891.

Allele frequency attached by ClinVar (database versions not stated): gnomAD 0.00002 and 0.00003; gnomAD exomes 0.00004 and 0.00005; ExAC 0.00005; ESP Exome Variant Server 0.00008; TOPMed 0.00003.
gnomAD v4.1: 62 of 1,613,962 alleles (0.0038%); highest among the groups gnomAD compares: Admixed American, 0.0067%; no homozygotes.

Submission:

Labcorp Genetics (formerly Invitae), Labcorp
Classification: Uncertain significance for Mendelian susceptibility to mycobacterial diseases due to complete IL12RB1 deficiency. Last evaluated: 2022-07-22. Review status: criteria provided, single submitter. Criteria: Invitae Variant Classification Sherloc (09022015). Collection method: clinical testing. Allele origin: germline.
Comment: This sequence change replaces proline, which is neutral and non-polar, with leucine, which is neutral and non-polar, at codon 292 of the IL12RB1 protein (p.Pro292Leu). This variant is present in population databases (rs149896994, gnomAD 0.009%). This variant has not been reported in the literature in individuals affected with IL12RB1-related conditions. ClinVar contains an entry for this variant (Variation ID: 1027314). Algorithms developed to predict the effect of missense changes on protein structure and function (SIFT, PolyPhen-2, Align-GVGD) all suggest that this variant is likely to be tolerated. In summary, the available evidence is currently insufficient to determine the role of this variant in disease. Therefore, it has been classified as a Variant of Uncertain Significance.

NM_005535.3(IL12RB1):c.875C>T (p.Pro292Leu)

Gene: IL12RB1 (interleukin 12 receptor subunit beta 1; minus strand). Cytogenetic location: 19p13.11.
Variant type: single nucleotide variant.
Coding change: c.875C>T on transcript NM_005535.3 (MANE Select); coding-DNA position 875, C replaced by T.
Protein change: p.Pro292Leu; replaces proline 292 with leucine.
Molecular consequence: missense variant.
Genome position (GRCh38, 1-based): chr19:18,072,258, G>A on the plus strand (C>T on the coding strand, the complement: IL12RB1 is on the minus strand). VCF-style: chr19-18072258-G-A. GRCh37 (hg19) VCF-style: chr19-18183068-G-A.
Other names: c.875C>T, p.Pro292Leu (NM_001290023.2, NM_153701.3); c.995C>T, p.Pro332Leu (NM_001290024.2); short protein forms P292L, P332L.
Identifiers: ClinVar variation 1027314 (VCV001027314.7), dbSNP rs149896994, ClinGen allele CA9305041.